The following is an entry in ClinVar:

ClinVar aggregate classification (germline): Uncertain significance (1 of 4 stars; one submission).

Conditions:
Inborn genetic diseases. Identifiers: MedGen C0950123, MeSH D030342.

Submission:

Ambry Genetics
Classification: Uncertain significance for Inborn genetic diseases. Last evaluated: 2023-02-12. Review status: criteria provided, single submitter. Criteria: Ambry Variant Classification Scheme 2023. Collection method: clinical testing. Allele origin: germline.
Comment: The p.N92K variant (also known as c.276C>G), located in coding exon 5 of the ERCC2 gene, results from a C to G substitution at nucleotide position 276. The asparagine at codon 92 is replaced by lysine, an amino acid with similar properties. This amino acid position is conserved. In addition, this alteration is predicted to be tolerated by in silico analysis. Since supporting evidence is limited at this time, the clinical significance of this alteration remains unclear.

NM_000400.4(ERCC2):c.276C>G (p.Asn92Lys)

Gene: ERCC2 (ERCC excision repair 2, TFIIH core complex helicase subunit; minus strand). Cytogenetic location: 19q13.32.
Variant type: single nucleotide variant.
Coding change: c.276C>G on transcript NM_000400.4 (MANE Select); coding-DNA position 276, C replaced by G.
Protein change: p.Asn92Lys; replaces asparagine 92 with lysine.
Molecular consequence: missense variant.
Genome position (GRCh38, 1-based): chr19:45,368,714, G>C on the plus strand (C>G on the coding strand, the complement: ERCC2 is on the minus strand). VCF-style: chr19-45368714-G-C. GRCh37 (hg19) VCF-style: chr19-45871972-G-C.
Other names: c.204C>G, p.Asn68Lys (NM_001130867.2); short protein forms N92K, N68K.
Identifiers: ClinVar variation 2452368 (VCV002452368.2), dbSNP rs982806873, ClinGen allele CA406378648.
Genomic context (GRCh38, chr19:45,368,714, plus strand): 5'-GCGGGAGCTCAGAGCCAGTCCCAGAAACGGCAGCTTCTCGCCCTCCTGCTTCTCATAGAA[G>C]TTGAGCAACTTTCGAAGCTCTTCAATCACCTACTCCAAAGTTGGGGGGCAGGGGGAGCTT-3'
Protein context (NP_000391.1, residues 82-102): KVIEELRKLL[Asn92Lys]FYEKQEGEKL